The following is an entry in ClinVar:

ClinVar aggregate classification (germline): Uncertain significance (1 of 4 stars; one submission).

Conditions:
Malignant hyperthermia, susceptibility to, 1 (MHS1). Also called: Anesthesia related hyperthermia; Malignant hyperpyrexia; Fulminating hyperpyrexia; Pharmacogenic myopathy; RYR1-Related Malignant Hyperthermia Susceptibility; Malignant hyperthermia suceptibility 1. Identifiers: Orphanet 423, MedGen C2930980, MONDO:0007783, OMIM 145600.

Submission:

All of Us Research Program, National Institutes of Health
Classification: Uncertain significance for Malignant hyperthermia, susceptibility to, 1. Last evaluated: 2024-05-30. Review status: criteria provided, single submitter. Criteria: ACMG Guidelines, 2015. Collection method: clinical testing. Allele origin: germline. Inheritance: Autosomal dominant inheritance. Observed: 1 variant allele, 1 heterozygote.
Comment: This missense variant replaces aspartic acid with valine at codon 1858 of the RYR1 protein. Computational prediction suggests that this variant may have deleterious impact on protein structure and function (internally defined REVEL score threshold >= 0.7, PMID: 27666373). To our knowledge, functional studies have not been reported for this variant. This variant has not been reported in individuals affected with RYR1-related disorders in the literature. This variant has not been identified in the general population by the Genome Aggregation Database (gnomAD). The available evidence is insufficient to determine the role of this variant in disease conclusively. Therefore, this variant is classified as a Variant of Uncertain Significance.

This study involves interpretation of variants in research participants for the purpose of population health screening. Participant phenotype was not available at the time of variant classification. Additional details can be found in publication PMID: 35346344, PMCID: PMC8962531

NM_000540.3(RYR1):c.5573A>T (p.Asp1858Val)

Gene: RYR1 (ryanodine receptor 1; plus strand). Cytogenetic location: 19q13.2.
Variant type: single nucleotide variant.
Coding change: c.5573A>T on transcript NM_000540.3 (MANE Select); coding-DNA position 5573, A replaced by T.
Protein change: p.Asp1858Val; replaces aspartic acid 1858 with valine.
Molecular consequence: missense variant.
Genome position (GRCh38, 1-based): chr19:38,489,202, A>T. VCF-style: chr19-38489202-A-T. GRCh37 (hg19) VCF-style: chr19-38979842-A-T.
Other names: c.5573A>T, p.Asp1858Val (NM_001042723.2); short protein forms D1858V.
Identifiers: ClinVar variation 3387747 (VCV003387747.1).
Genomic context (GRCh38, chr19:38,489,202, plus strand): 5'-AGGCCACAGTGAAGAACCGAGACTTTGTCCTGTAGGTGATGGGCATCTTTGGCGATGAGG[A>T]TGTGAAACAGATCTTGAAGATGATTGAGCCTGAGGTCTTCACTGAGGAAGAAGAGGAGGA-3'
Protein context (NP_000531.2, residues 1848-1868): LLVMGIFGDE[Asp1858Val]VKQILKMIEP